The following is an entry in ClinVar:

ClinVar aggregate classification (germline): Benign/Likely benign. Review status: criteria provided, multiple submitters, no conflicts (2 of 4 stars). 4 submissions from 4 submitters: Benign (1); Likely benign (2). 1 of the submissions does not count toward it. Last evaluated 2025-12-24.

Conditions:
FHL2-related disorder. Also called: FHL2-related condition.
Primary dilated cardiomyopathy (DCM). Also called: Dilated Cardiomyopathy. Identifiers: Orphanet 217604, MedGen C0007193, MeSH D002311, MONDO:0005021, HP:0001644. Inheritance: Various modes of inheritance.

Allele frequency attached by ClinVar (database versions not stated): ESP Exome Variant Server 0.00008; gnomAD 0.00011 and 0.00022; TOPMed 0.00015; gnomAD exomes 0.00053 and 0.00076; ExAC 0.00081; 1000 Genomes Project 30x 0.00094; 1000 Genomes Project 0.00120.
gnomAD v4.1: 817 of 1,614,196 alleles (0.051%); highest among the groups gnomAD compares: South Asian, 0.46%; 6 homozygotes.

Submissions (4):

Labcorp Genetics (formerly Invitae), Labcorp
Classification: Benign for Primary dilated cardiomyopathy. Last evaluated: 2025-12-24. Review status: criteria provided, single submitter. Criteria: Invitae Variant Classification Sherloc (09022015). Collection method: clinical testing. Allele origin: germline.

Laboratory for Molecular Medicine, Mass General Brigham Personalized Medicine
Classification: Likely benign. Last evaluated: 2012-04-17. Review status: criteria provided, single submitter. Criteria: LMM Criteria. Collection method: clinical testing. Allele origin: germline. Observed: 1 variant allele.
Comment: Ala64Ala in exon 3 of FHL2: This variant is not expected to have clinical signif icance because it does not alter an amino acid residue and is not located within the splice consensus sequence. It has been identified in 1/7020 of European Ame rican chromosomes from a broad population by the NHLBI Exome Sequencing Project. Ala64Ala variant in exon 3 of FHL2 (allel e frequency = 1/7020) **

Breakthrough Genomics
Classification: Likely benign. Review status: criteria provided, single submitter. Criteria: ACMG Guidelines, 2015. Collection method: not provided. Allele origin: germline. Inheritance: Unknown mechanism. Affected: yes.

PreventionGenetics, part of Exact Sciences
Classification: Likely benign for FHL2-related condition. Last evaluated: 2019-05-06. Review status: no assertion criteria provided. Collection method: clinical testing. Allele origin: germline. Not counted in ClinVar's aggregate classification.
Comment: This variant is classified as likely benign based on ACMG/AMP sequence variant interpretation guidelines (Richards et al. 2015 PMID: 25741868, with internal and published modifications).

NM_001318895.3(FHL2):c.192C>T (p.Ala64=)

Genes: C2orf49 (chromosome 2 open reading frame 49; plus strand), FHL2 (four and a half LIM domains 2; minus strand). Cytogenetic location: 2q12.2.
Variant type: single nucleotide variant.
Coding change: c.192C>T on transcript NM_001318895.3 (MANE Select); coding-DNA position 192, C replaced by T.
Protein change: p.Ala64=; no amino-acid change (alanine 64 retained).
Molecular consequence: synonymous variant. On other transcripts: 5 prime UTR variant (1), intron variant (2).
Genome position (GRCh38, 1-based): chr2:105,373,698, G>A on the plus strand (C>T on the coding strand, the complement: FHL2 is on the minus strand). VCF-style: chr2-105373698-G-A. GRCh37 (hg19) VCF-style: chr2-105990155-G-A.
Other names: c.192C>T, p.Ala64= (NM_001039492.3, NM_001318894.1, NM_001318896.2 and 4 more transcripts); c.-133C>T (NM_001318899.2); c.-11-5959C>T (NM_001318897.2, NM_001318898.2).
Identifiers: ClinVar variation 48321 (VCV000048321.17), dbSNP rs199943518, ClinGen allele CA143169.